The following is an entry in ClinVar:

ClinVar aggregate classification (germline): Likely benign. Review status: criteria provided, multiple submitters, no conflicts (2 of 4 stars). 3 submissions from 3 submitters: Likely benign (3). Last evaluated 2026-01-18.

Conditions:
Glycogen storage disease, type II (IOPD). Also called: CARDIOMEGALIA GLYCOGENICA DIFFUSA; GLYCOGENOSIS, GENERALIZED, CARDIAC FORM; GSD II; Glycogen storage disease type 2; Acid maltase deficiency disease; Aglucosidase alfa. Identifiers: Orphanet 365, MedGen C0017921, MONDO:0009290, OMIM 232300.

Allele frequency attached by ClinVar (database versions not stated): gnomAD 0.00006 and 0.00009; TOPMed 0.00008; ExAC 0.00009; gnomAD exomes 0.00009 and 0.00010; 1000 Genomes Project 30x 0.00047.
gnomAD v4.1: 146 of 1,610,146 alleles (0.0091%); highest among the groups gnomAD compares: East Asian, 0.13%; no homozygotes.

Submissions (3):

Labcorp Genetics (formerly Invitae), Labcorp
Classification: Likely benign for Glycogen storage disease, type II. Last evaluated: 2026-01-18. Review status: criteria provided, single submitter. Criteria: Invitae Variant Classification Sherloc (09022015). Collection method: clinical testing. Allele origin: germline.

Blueprint Genetics
Classification: Likely benign. Last evaluated: 2024-10-31. Review status: criteria provided, single submitter. Criteria: ACMG Guidelines, 2015. Collection method: clinical testing. Allele origin: germline.

GeneDx
Classification: Likely benign. Last evaluated: 2017-11-01. Review status: criteria provided, single submitter. Criteria: GeneDx Variant Classification (06012015). Collection method: clinical testing. Allele origin: germline. Affected: yes.
Comment: This variant is considered likely benign or benign based on one or more of the following criteria: it is a conservative change, it occurs at a poorly conserved position in the protein, it is predicted to be benign by multiple in silico algorithms, and/or has population frequency not consistent with disease.

NM_000152.5(GAA):c.858+15G>A

Gene: GAA (alpha glucosidase; plus strand). Cytogenetic location: 17q25.3.
Variant type: single nucleotide variant.
Coding change: c.858+15G>A on transcript NM_000152.5 (MANE Select); 15 bases into the intron after coding-DNA position 858, G replaced by A.
Molecular consequence: intron variant.
Genome position (GRCh38, 1-based): chr17:80,107,737, G>A. VCF-style: chr17-80107737-G-A. GRCh37 (hg19) VCF-style: chr17-78081536-G-A.
Other names: c.858+15G>A (LRG_673t1, NM_001079803.3, NM_001079804.3).
Identifiers: ClinVar variation 513048 (VCV000513048.10), dbSNP rs754760986, ClinGen allele CA8815047.